The following is an entry in ClinVar:

ClinVar aggregate classification (germline): Likely benign. Review status: criteria provided, single submitter (1 of 4 stars). 2 submissions from 2 submitters: Likely benign (1). 1 of the submissions does not count toward it. Last evaluated 2025-11-18.

Conditions:
EXTL3-related disorder. Also called: EXTL3-related condition.

Allele frequency attached by ClinVar (database versions not stated): ExAC 0.00002; gnomAD exomes 0.00004 and 0.00007; gnomAD 0.00008 and 0.00011; TOPMed 0.00008; 1000 Genomes Project 30x 0.00016; 1000 Genomes Project 0.00020.

Submissions (2):

Labcorp Genetics (formerly Invitae), Labcorp
Classification: Likely benign. Last evaluated: 2025-11-18. Review status: criteria provided, single submitter. Criteria: Invitae Variant Classification Sherloc (09022015). Collection method: clinical testing. Allele origin: germline.

PreventionGenetics, part of Exact Sciences
Classification: Likely benign for EXTL3-related condition. Last evaluated: 2020-02-07. Review status: no assertion criteria provided. Collection method: clinical testing. Allele origin: germline. Not counted in ClinVar's aggregate classification.
Comment: This variant is classified as likely benign based on ACMG/AMP sequence variant interpretation guidelines (Richards et al. 2015 PMID: 25741868, with internal and published modifications).

NM_001440.4(EXTL3):c.1587C>T (p.Thr529=)

Gene: EXTL3 (exostosin like glycosyltransferase 3; plus strand). Cytogenetic location: 8p21.1.
Variant type: single nucleotide variant.
Coding change: c.1587C>T on transcript NM_001440.4 (MANE Select); coding-DNA position 1587, C replaced by T.
Protein change: p.Thr529=; no amino-acid change (threonine 529 retained).
Molecular consequence: synonymous variant.
Genome position (GRCh38, 1-based): chr8:28,717,646, C>T. VCF-style: chr8-28717646-C-T. GRCh37 (hg19) VCF-style: chr8-28575163-C-T.
Other names: c.1587C>T (NM_001440.3).
Identifiers: ClinVar variation 1158191 (VCV001158191.9), dbSNP rs112724129, ClinGen allele CA4696247.